The following is an entry in ClinVar:

NM_007215.4(POLG2):c.667C>G (p.Gln223Glu)

Genes: MILR1 (mast cell immunoglobulin like receptor 1; plus strand), POLG2 (DNA polymerase gamma 2, accessory subunit; minus strand). Cytogenetic location: 17q23.3.
Variant type: single nucleotide variant.
Coding change: c.667C>G on transcript NM_007215.4 (MANE Select); coding-DNA position 667, C replaced by G.
Protein change: p.Gln223Glu; replaces glutamine 223 with glutamic acid.
Molecular consequence: missense variant.
Genome position (GRCh38, 1-based): chr17:64,492,917, G>C on the plus strand (C>G on the coding strand, the complement: POLG2 is on the minus strand). VCF-style: chr17-64492917-G-C. GRCh37 (hg19) VCF-style: chr17-62489034-G-C.
Other names: short protein forms Q223E.
Identifiers: ClinVar variation 2077481 (VCV002077481.4), dbSNP rs1442496542, ClinGen allele CA400639397.
Genomic context (GRCh38, chr17:64,492,917, plus strand): 5'-TTTAAATACAAGGCCAAGTTATTTGCCACTTTTTATACCTTTTAACACCATTTCGTATCT[G>C]CTTAGTGTCAAAAACAGGATGAAAACACACTCCAATCTGAGCAAGGCCATAAGGTAGCCT-3'
Protein context (NP_009146.2, residues 213-233): VCFHPVFDTK[Gln223Glu]IRNGVKSIGE

ClinVar aggregate classification (germline): Uncertain significance (1 of 4 stars; one submission).

Allele frequency attached by ClinVar (database versions not stated): gnomAD 0.00001.
gnomAD v4.1: 3 of 1,613,892 alleles (0.00019%); highest among the groups gnomAD compares: African/African-American, 0.0027%; no homozygotes.

Submission:

Labcorp Genetics (formerly Invitae), Labcorp
Classification: Uncertain significance. Last evaluated: 2022-11-01. Review status: criteria provided, single submitter. Criteria: Invitae Variant Classification Sherloc (09022015). Collection method: clinical testing. Allele origin: germline.
Comment: This sequence change replaces glutamine, which is neutral and polar, with glutamic acid, which is acidic and polar, at codon 223 of the POLG2 protein (p.Gln223Glu). This variant is not present in population databases (gnomAD no frequency). This variant has not been reported in the literature in individuals affected with POLG2-related conditions. Algorithms developed to predict the effect of missense changes on protein structure and function output the following: SIFT: "Tolerated"; PolyPhen-2: "Benign"; Align-GVGD: "Class C0". The glutamic acid amino acid residue is found in multiple mammalian species, which suggests that this missense change does not adversely affect protein function. In summary, the available evidence is currently insufficient to determine the role of this variant in disease. Therefore, it has been classified as a Variant of Uncertain Significance.